The following is an entry in ClinVar:

ClinVar aggregate classification (germline): Likely pathogenic. Review status: criteria provided, multiple submitters, no conflicts (2 of 4 stars). 2 submissions from 2 submitters: Likely pathogenic (2). Last evaluated 2025-10-02.

Conditions:
SLC12A3-related disorder. Also called: SLC12A3-related condition.
Familial hypokalemia-hypomagnesemia (GTLMNS). Also called: HYPOMAGNESEMIA-HYPOKALEMIA, PRIMARY RENOTUBULAR, WITH HYPOCALCIURIA; POTASSIUM AND MAGNESIUM DEPLETION; gitelman syndrome. Identifiers: Orphanet 358, MedGen C0268450, MONDO:0009904, OMIM 263800.

Submissions (2):

Victorian Clinical Genetics Services, Murdoch Childrens Research Institute
Classification: Likely pathogenic for Familial hypokalemia-hypomagnesemia. Last evaluated: 2025-10-02. Review status: criteria provided, single submitter. Criteria: ACMG Guidelines, 2015. Collection method: clinical testing. Allele origin: germline. Affected: yes.
Comment: This variant is classified as Likely pathogenic. Evidence in support of pathogenic classification: Variant is present in gnomAD <0.01 for a recessive condition (v4: 6 heterozygote(s), 0 homozygote(s)); This variant has limited previous evidence of pathogenicity. This variant has been reported in at least one compound heterozygous individual with Gitelman syndrome (PMID: 21415153); Missense variant predicted to be damaging by in silico tool(s) or highly conserved with a major amino acid change; Very strong and specific phenotype match for this individual. Additional information: Variant is predicted to result in a missense amino acid change from Thr to Lys; This variant is heterozygous; This gene is associated with autosomal recessive disease; Alternative amino acid change(s) at the same position are present in gnomAD (Highest alelle count: v4: 5 heterozygote(s), 0 homozygote(s)); No published evidence of segregation with disease has been identified for this variant; No published functional evidence has been identified for this variant; No comparable missense variants have previous evidence for pathogenicity; Variant is located in the annotated amino acid permease domain (DECIPHER); Loss of function is a known mechanism of disease in this gene and is associated with Gitelman syndrome (MIM#263800); Inheritance information for this variant is not currently available in this individual.

Blueprint Genetics
Classification: Likely pathogenic for SLC12A3-related disorders. Last evaluated: 2022-08-24. Review status: criteria provided, single submitter. Criteria: ACMG Guidelines, 2015. Collection method: clinical testing. Allele origin: germline. Affected: yes. Observed: 2 variant alleles.

Literature cited by the submitters: PubMed 21415153 (cited by Victorian Clinical Genetics Services, Murdoch Childrens Research Institute).

NM_001126108.2(SLC12A3):c.1055C>A (p.Thr352Lys)

Gene: SLC12A3 (solute carrier family 12 member 3; plus strand). Cytogenetic location: 16q13.
Variant type: single nucleotide variant.
Coding change: c.1055C>A on transcript NM_001126108.2 (MANE Select); coding-DNA position 1055, C replaced by A.
Protein change: p.Thr352Lys; replaces threonine 352 with lysine.
Molecular consequence: missense variant.
Genome position (GRCh38, 1-based): chr16:56,872,746, C>A. VCF-style: chr16-56872746-C-A. GRCh37 (hg19) VCF-style: chr16-56906658-C-A.
Other names: c.1055C>A, p.Thr352Lys (NM_000339.3); c.1052C>A, p.Thr351Lys (NM_001126107.2, NM_001410896.1); short protein forms T351K, T352K.
Identifiers: ClinVar variation 4531615 (VCV004531615.2).